The following is an entry in ClinVar:

NM_020975.6(RET):c.1295C>T (p.Ala432Val)

Gene: RET (ret proto-oncogene; plus strand). Cytogenetic location: 10q11.21.
Variant type: single nucleotide variant.
Coding change: c.1295C>T on transcript NM_020975.6 (MANE Select); coding-DNA position 1295, C replaced by T.
Protein change: p.Ala432Val; replaces alanine 432 with valine.
Molecular consequence: missense variant.
Genome position (GRCh38, 1-based): chr10:43,111,238, C>T. VCF-style: chr10-43111238-C-T. GRCh37 (hg19) VCF-style: chr10-43606686-C-T.
Other names: c.1295C>T, p.Ala432Val (NM_000323.2, NM_001406743.1, NM_001406744.1 and 6 more transcripts); c.533C>T, p.Ala178Val (NM_001355216.2); c.1166C>T, p.Ala389Val (NM_001406761.1, NM_001406762.1, NM_001406764.1 and 1 more transcripts); c.1007C>T, p.Ala336Val (NM_001406766.1, NM_001406767.1, NM_001406770.1); c.899C>T, p.Ala300Val (NM_001406769.1, NM_001406772.1); c.857C>T, p.Ala286Val (NM_001406771.1, NM_001406773.1); c.770C>T, p.Ala257Val (NM_001406774.1); c.569C>T, p.Ala190Val (NM_001406775.1, NM_001406776.1, NM_001406777.1 and 1 more transcripts); and 2 more; short protein forms A102V, A300V, A257V, A178V, A190V, A336V, A286V, A389V.
Identifiers: ClinVar variation 1769192 (VCV001769192.6), dbSNP rs552057730, ClinGen allele CA032968.
Genomic context (GRCh38, chr10:43,111,238, plus strand): 5'-GGCTAAGGTGTTCCCCTGTGCCCCCCTAGATCGGGAAAGTCTGTGTGGAAAACTGCCAGG[C>T]ATTCAGTGGCATCAACGTCCAGTACAAGCTGCATTCCTCTGGTGCCAACTGCAGCACGCT-3'
Protein context (NP_066124.1, residues 422-442): IGKVCVENCQ[Ala432Val]FSGINVQYKL

ClinVar aggregate classification (germline): Uncertain significance. Review status: criteria provided, multiple submitters, no conflicts (2 of 4 stars). 5 submissions from 5 submitters: Uncertain significance (5). Last evaluated 2024-03-12.

Conditions:
Hereditary cancer-predisposing syndrome. Also called: Hereditary Cancer Syndrome; Hereditary neoplastic syndrome; Neoplastic Syndromes, Hereditary; Tumor predisposition. Identifiers: Orphanet 140162, MedGen C0027672, MeSH D009386, MONDO:0015356.
Multiple endocrine neoplasia, type 2 (MEN2). Identifiers: Orphanet 653, MedGen C4048306, MONDO:0019003. Disease mechanism: gain of function.
Multiple endocrine neoplasia type 2A. Also called: MULTIPLE ENDOCRINE NEOPLASIA, TYPE IIA; PTC SYNDROME; SIPPLE SYNDROME; MEN 2A; MEN-2A syndrome; Pheochromocytoma and amyloid producing medullary thyroid carcinoma. Identifiers: Orphanet 247698, Orphanet 653, MedGen C0025268, MeSH D018813, MONDO:0008234, OMIM 171400.
Hirschsprung disease, susceptibility to, 1 (HSCR1). Also called: RET-Related Hirschsprung Disease. Identifiers: Orphanet 388, MedGen C3888239, MONDO:0007723, OMIM 142623.

Allele frequency attached by ClinVar (database versions not stated): TOPMed 0.00003; 1000 Genomes Project 0.00020; 1000 Genomes Project 30x 0.00031.
gnomAD v4.1: 13 of 1,614,094 alleles (0.00081%); highest among the groups gnomAD compares: African/African-American, 0.0067%; no homozygotes.

Submissions (5):

Ambry Genetics
Classification: Uncertain significance for Hereditary cancer-predisposing syndrome. Last evaluated: 2024-03-12. Review status: criteria provided, single submitter. Criteria: Ambry Variant Classification Scheme 2023. Collection method: clinical testing. Allele origin: germline.
Comment: The p.A432V variant (also known as c.1295C>T), located in coding exon 7 of the RET gene, results from a C to T substitution at nucleotide position 1295. The alanine at codon 432 is replaced by valine, an amino acid with similar properties. This amino acid position is not well conserved in available vertebrate species. In addition, this alteration is predicted to be tolerated by in silico analysis. Since supporting evidence is limited at this time, the clinical significance of this alteration remains unclear.

GeneDx
Classification: Uncertain significance. Last evaluated: 2024-02-16. Review status: criteria provided, single submitter. Criteria: GeneDx Variant Classification Process June 2021. Collection method: clinical testing. Allele origin: germline. Affected: yes.
Comment: Not observed at significant frequency in large population cohorts (gnomAD); In silico analysis supports that this missense variant does not alter protein structure/function; Has not been previously published as pathogenic or benign to our knowledge; This variant is associated with the following publications: (PMID: 14633923)

Baylor Genetics
Classification: Uncertain significance for Hirschsprung disease, susceptibility to, 1. Last evaluated: 2023-11-29. Review status: criteria provided, single submitter. Criteria: ACMG Guidelines, 2015. Collection method: clinical testing. Allele origin: unknown.

St. Jude Molecular Pathology, St. Jude Children's Research Hospital
Classification: Uncertain significance for Multiple endocrine neoplasia type 2A. Last evaluated: 2023-11-28. Review status: criteria provided, single submitter. Criteria: St. Jude Assertion Criteria 2020. Collection method: clinical testing. Allele origin: germline.
Comment: The RET c.1295C>T (p.Ala432Val) missense change has a maximum subpopulation frequency of 0.008% in gnomAD v2.1.1. The in silico tool REVEL predicts a benign effect on protein function, but to our knowledge this prediction has not been confirmed by functional studies. To our knowledge, this variant has not been reported in the literature in individuals with multiple endocrine neoplasia type II. In summary, the evidence currently available is insufficient to determine the clinical significance of this variant. It has therefore been classified as of uncertain significance.

All of Us Research Program, National Institutes of Health
Classification: Uncertain significance for Multiple endocrine neoplasia, type 2. Last evaluated: 2023-08-15. Review status: criteria provided, single submitter. Criteria: ACMG Guidelines, 2015. Collection method: clinical testing. Allele origin: germline. Inheritance: Autosomal dominant inheritance. Observed: 3 variant alleles, 3 heterozygotes.
Comment: This missense variant replaces alanine with valine at codon 432 of the RET protein. Computational prediction suggests that this variant may not impact protein structure and function (internally defined REVEL score threshold <= 0.5, PMID: 27666373). To our knowledge, functional studies have not been reported for this variant. This variant has not been reported as a germline variant in individuals affected with RET-related disorders in the literature. This variant has been identified in 5/282564 chromosomes in the general population by the Genome Aggregation Database (gnomAD). The available evidence is insufficient to determine the role of this variant in disease conclusively. Therefore, this variant is classified as a Variant of Uncertain Significance.

This study involves interpretation of variants in research participants for the purpose of population health screening. Participant phenotype was not available at the time of variant classification. Additional details can be found in publication PMID: 35346344, PMCID: PMC8962531